The following is an entry in ClinVar:

ClinVar aggregate classification (germline): Uncertain significance (1 of 4 stars; one submission).

Allele frequency attached by ClinVar (database versions not stated): gnomAD exomes below 0.00001; gnomAD 0.00001.

Submission:

Labcorp Genetics (formerly Invitae), Labcorp
Classification: Uncertain significance. Last evaluated: 2022-08-10. Review status: criteria provided, single submitter. Criteria: Invitae Variant Classification Sherloc (09022015). Collection method: clinical testing. Allele origin: germline.
Comment: In summary, the available evidence is currently insufficient to determine the role of this variant in disease. Therefore, it has been classified as a Variant of Uncertain Significance. Algorithms developed to predict the effect of missense changes on protein structure and function are either unavailable or do not agree on the potential impact of this missense change (SIFT: "Tolerated"; PolyPhen-2: "Probably Damaging"; Align-GVGD: "Class C0"). This variant has not been reported in the literature in individuals affected with PIGV-related conditions. This variant is present in population databases (no rsID available, gnomAD 0.01%). This sequence change replaces arginine, which is basic and polar, with glutamine, which is neutral and polar, at codon 286 of the PIGV protein (p.Arg286Gln).

NM_017837.4(PIGV):c.857G>A (p.Arg286Gln)

Gene: PIGV (phosphatidylinositol glycan anchor biosynthesis class V; plus strand). Cytogenetic location: 1p36.11.
Variant type: single nucleotide variant.
Coding change: c.857G>A on transcript NM_017837.4 (MANE Select); coding-DNA position 857, G replaced by A.
Protein change: p.Arg286Gln; replaces arginine 286 with glutamine.
Molecular consequence: missense variant. On other transcripts: non-coding transcript variant (1), intron variant (1).
Genome position (GRCh38, 1-based): chr1:26,794,891, G>A. VCF-style: chr1-26794891-G-A. GRCh37 (hg19) VCF-style: chr1-27121382-G-A.
Other names: c.857G>A, p.Arg286Gln (NM_001202554.2, NM_001374478.1, NM_001374480.1 and 2 more transcripts); c.476G>A, p.Arg159Gln (NM_001374483.1); c.230G>A, p.Arg77Gln (NM_001374484.1, NM_001374485.1); c.79-2672G>A (NM_001374486.1); short protein forms R77Q, R159Q, R286Q.
Identifiers: ClinVar variation 1924304 (VCV001924304.5), dbSNP rs1471492464, ClinGen allele CA339200892.